The following is an entry in ClinVar:

NM_000179.3(MSH6):c.1331T>A (p.Val444Asp)

Gene: MSH6 (mutS homolog 6; plus strand). Cytogenetic location: 2p16.3.
Variant type: single nucleotide variant.
Coding change: c.1331T>A on transcript NM_000179.3 (MANE Select); coding-DNA position 1331, T replaced by A.
Protein change: p.Val444Asp; replaces valine 444 with aspartic acid.
Molecular consequence: missense variant. On other transcripts: non-coding transcript variant (4), intron variant (1).
Genome position (GRCh38, 1-based): chr2:47,799,314, T>A. VCF-style: chr2-47799314-T-A. GRCh37 (hg19) VCF-style: chr2-48026453-T-A.
Other names: c.941T>A, p.Val314Asp (NM_001281492.2); c.425T>A, p.Val142Asp (NM_001281493.2, NM_001281494.2, NM_001406811.1 and 6 more transcripts); c.1427T>A, p.Val476Asp (NM_001406795.1, NM_001406802.1); c.1331T>A, p.Val444Asp (NM_001406796.1, NM_001406798.1, NM_001406800.1 and 4 more transcripts); c.1034T>A, p.Val345Asp (NM_001406797.1, NM_001406801.1, NM_001406805.1 and 10 more transcripts); c.806T>A, p.Val269Asp (NM_001406799.1, NM_001406806.1, NM_001406807.1); c.1253T>A, p.Val418Asp (NM_001406804.1); c.1337T>A, p.Val446Asp (NM_001406813.1); and 2 more; short protein forms V269D, V345D, V388D, V418D, V476D, V142D, V444D, V446D.
Identifiers: ClinVar variation 2587364 (VCV002587364.2), dbSNP rs2104336849, ClinGen allele CA346744521.

ClinVar aggregate classification (germline): Uncertain significance (1 of 4 stars; one submission).

Conditions:
Hereditary cancer-predisposing syndrome. Also called: Tumor predisposition; Hereditary Cancer Syndrome; Hereditary neoplastic syndrome; Neoplastic Syndromes, Hereditary. Identifiers: Orphanet 140162, MedGen C0027672, MeSH D009386, MONDO:0015356.

Submission:

Ambry Genetics
Classification: Uncertain significance for Hereditary cancer-predisposing syndrome. Last evaluated: 2023-09-11. Review status: criteria provided, single submitter. Criteria: Ambry Variant Classification Scheme 2023. Collection method: clinical testing. Allele origin: germline.
Comment: The p.V444D variant (also known as c.1331T>A), located in coding exon 4 of the MSH6 gene, results from a T to A substitution at nucleotide position 1331. The valine at codon 444 is replaced by aspartic acid, an amino acid with highly dissimilar properties. This amino acid position is conserved. In addition, this alteration is predicted to be deleterious by in silico analysis. Since supporting evidence is limited at this time, the clinical significance of this alteration remains unclear.